The following is an entry in ClinVar:

NM_000059.4(BRCA2):c.4364A>G (p.Glu1455Gly)

Gene: BRCA2 (BRCA2 DNA repair associated; plus strand). Cytogenetic location: 13q13.1.
Variant type: single nucleotide variant.
Coding change: c.4364A>G on transcript NM_000059.4 (MANE Select); coding-DNA position 4364, A replaced by G.
Protein change: p.Glu1455Gly; replaces glutamic acid 1455 with glycine.
Molecular consequence: missense variant. On other transcripts: non-coding transcript variant (1), intron variant (2).
Genome position (GRCh38, 1-based): chr13:32,338,719, A>G. VCF-style: chr13-32338719-A-G. GRCh37 (hg19) VCF-style: chr13-32912856-A-G.
Other names: c.4364A>G, p.Glu1455Gly (NM_001406719.1, NM_001406720.1, NM_001432077.1); c.1909+5332A>G (NM_001406721.1); c.425-5839A>G (NM_001406722.1); short protein forms E1455G.
Identifiers: ClinVar variation 4527673 (VCV004527673.1).
Genomic context (GRCh38, chr13:32,338,719, plus strand): 5'-ATATTAGTGTCGCCAAAGAGTCATTTAATAAAATTGTAAATTTCTTTGATCAGAAACCAG[A>G]AGAATTGCATAACTTTTCCTTAAATTCTGAATTACATTCTGACATAAGAAAGAACAAAAT-3'
Protein context (NP_000050.3, residues 1445-1465): KIVNFFDQKP[Glu1455Gly]ELHNFSLNSE

ClinVar aggregate classification (germline): Uncertain significance (1 of 4 stars; one submission).

Submission:

GeneDx
Classification: Uncertain significance. Last evaluated: 2025-04-29. Review status: criteria provided, single submitter. Criteria: GeneDx Variant Classification Process June 2021. Collection method: clinical testing. Allele origin: germline. Affected: yes.
Comment: Not observed at significant frequency in large population cohorts (gnomAD); In silico analysis supports that this missense variant has a deleterious effect on protein structure/function; Has not been previously published as pathogenic or benign to our knowledge; Also known as 4593A>G